The following is an entry in ClinVar:

ClinVar aggregate classification (germline): Uncertain significance. Review status: criteria provided, multiple submitters, no conflicts (2 of 4 stars). 5 submissions from 5 submitters: Uncertain significance (5). Last evaluated 2025-08-24.

Conditions:
Inborn genetic diseases. Identifiers: MedGen C0950123, MeSH D030342.
Neuropathy, hereditary sensory and autonomic, type 2A (HSAN2A). Also called: HSAN IIA; WNK1-Related HSAN2 (HSAN2A); MORVAN DISEASE; NEUROPATHY, CONGENITAL SENSORY; NEUROPATHY, HEREDITARY SENSORY RADICULAR, AUTOSOMAL RECESSIVE; NEUROPATHY, HEREDITARY SENSORY, TYPE IIA. Identifiers: Orphanet 970, MedGen C2752089, MONDO:0024309, OMIM 201300.
Generalized epilepsy with febrile seizures plus, type 7 (GEFSP7). Also called: GEFS+, TYPE 7. Identifiers: Orphanet 36387, MedGen C2751778, MONDO:0013470, OMIM 613863.

Allele frequency attached by ClinVar (database versions not stated): ExAC 0.00008; gnomAD 0.00011; gnomAD exomes 0.00013 and 0.00014; TOPMed 0.00014.
gnomAD v4.1: 197 of 1,582,176 alleles (0.012%); highest among the groups gnomAD compares: Admixed American, 0.016%; no homozygotes.

Submissions (5):

Labcorp Genetics (formerly Invitae), Labcorp
Classification: Uncertain significance for Neuropathy, hereditary sensory and autonomic, type 2A; Generalized epilepsy with febrile seizures plus, type 7. Last evaluated: 2025-08-24. Review status: criteria provided, single submitter. Criteria: Invitae Variant Classification Sherloc (09022015). Collection method: clinical testing. Allele origin: germline.
Comment: This sequence change replaces tyrosine, which is neutral and polar, with histidine, which is basic and polar, at codon 367 of the SCN9A protein (p.Tyr367His). This variant is present in population databases (rs200457046, gnomAD 0.02%). This variant has not been reported in the literature in individuals affected with SCN9A-related conditions. ClinVar contains an entry for this variant (Variation ID: 245822). Invitae Evidence Modeling of protein sequence and biophysical properties (such as structural, functional, and spatial information, amino acid conservation, physicochemical variation, residue mobility, and thermodynamic stability) has been performed for this missense variant. However, the output from this modeling did not meet the statistical confidence thresholds required to predict the impact of this variant on SCN9A protein function. In summary, the available evidence is currently insufficient to determine the role of this variant in disease. Therefore, it has been classified as a Variant of Uncertain Significance.

Blueprint Genetics
Classification: Uncertain significance. Last evaluated: 2024-11-18. Review status: criteria provided, single submitter. Criteria: ACMG Guidelines, 2015. Collection method: clinical testing. Allele origin: germline.

CeGaT Center for Human Genetics Tuebingen
Classification: Uncertain significance. Last evaluated: 2024-02-01. Review status: criteria provided, single submitter. Criteria: CeGaT Center For Human Genetics Tuebingen Variant Classification Criteria Version 2. Collection method: clinical testing. Allele origin: germline. Affected: yes. Observed: 1 variant allele.
Comment: SCN9A: PM2, PP3

Ambry Genetics
Classification: Uncertain significance for Inborn genetic diseases. Last evaluated: 2022-02-28. Review status: criteria provided, single submitter. Criteria: Ambry Variant Classification Scheme 2023. Collection method: clinical testing. Allele origin: germline.
Comment: The p.Y367H variant (also known as c.1099T>C), located in coding exon 8 of the SCN9A gene, results from a T to C substitution at nucleotide position 1099. The tyrosine at codon 367 is replaced by histidine, an amino acid with similar properties. This amino acid position is highly conserved in available vertebrate species. In addition, this alteration is predicted to be deleterious by in silico analysis. Based on the supporting evidence, this variant is unlikely to be causative of primary erythermalgia/small fiber neuropathy, and paroxysmal extreme pain disorder (PEPD); however, its contribution to the development of congenital insensitivity to pain (CIP) and hereditary sensory autonomic neuropathy type II (HSAN2D) is uncertain.

GeneDx
Classification: Uncertain significance. Last evaluated: 2020-03-03. Review status: criteria provided, single submitter. Criteria: GeneDx Variant Classification Process June 2021. Collection method: clinical testing. Allele origin: germline. Affected: yes.
Comment: In silico analysis supports that this missense variant has a deleterious effect on protein structure/function; Observed in 0.0254% (22/86478 alleles) in large population cohorts (Lek et al., 2016); Has not been previously published as pathogenic or benign to our knowledge

NM_001365536.1(SCN9A):c.1099T>C (p.Tyr367His)

Genes: SCN1A-AS1 (SCN1A and SCN9A antisense RNA 1; plus strand), SCN9A (sodium voltage-gated channel alpha subunit 9; minus strand). Cytogenetic location: 2q24.3.
Variant type: single nucleotide variant.
Coding change: c.1099T>C on transcript NM_001365536.1 (MANE Select); coding-DNA position 1099, T replaced by C.
Protein change: p.Tyr367His; replaces tyrosine 367 with histidine.
Molecular consequence: missense variant.
Genome position (GRCh38, 1-based): chr2:166,293,239, A>G on the plus strand (T>C on the coding strand, the complement: SCN9A is on the minus strand). VCF-style: chr2-166293239-A-G. GRCh37 (hg19) VCF-style: chr2-167149749-A-G.
Other names: c.1099T>C, p.Tyr367His (NM_002977.4); short protein forms Y367H.
Identifiers: ClinVar variation 245822 (VCV000245822.38), dbSNP rs200457046, ClinGen allele CA1944600.
Genomic context (GRCh38, chr2:166,293,239, plus strand): 5'-CCAGGTACATATGCCATTCAAAAATACAATGCATGTTTCTCTTGGTACTCACCTGTTGGT[A>G]AAGGTTTTCCCAGTAATCTTGGGTCATTAGCCTAAACAAGGCTAAGAAGGCCCAGCTGAA-3'
Protein context (NP_001352465.1, residues 357-377): LMTQDYWENL[Tyr367His]QQTLRAAGKT